The following is an entry in ClinVar:

NM_000038.6(APC):c.646-4934A>G

Gene: APC (APC regulator of WNT signaling pathway; plus strand). Cytogenetic location: 5q22.2.
Variant type: single nucleotide variant.
Coding change: c.646-4934A>G on transcript NM_000038.6 (MANE Select); 4934 bases into the intron before coding-DNA position 646, A replaced by G.
Molecular consequence: intron variant.
Genome position (GRCh38, 1-based): chr5:112,787,512, A>G. VCF-style: chr5-112787512-A-G. GRCh37 (hg19) VCF-style: chr5-112123209-A-G.
Other names: c.646-4934A>G (NM_001354895.2, NM_001127510.3, NM_001354896.2 and 1 more transcripts); c.676-4934A>G (NM_001354897.2, NM_001354902.2); c.675+6609A>G (NM_001127511.3); c.571-4934A>G (NM_001354898.2, NM_001354904.2); c.-390-4934A>G (NM_001354906.2); c.645+6609A>G (NM_001354899.2); c.469-4934A>G (NM_001354900.2, NM_001354901.2, NM_001354905.2).
Identifiers: ClinVar variation 82971 (VCV000082971.2), dbSNP rs78471808, ClinGen allele CA012009.

ClinVar aggregate classification (germline): other (0 of 4 stars; one submission).

Conditions:
Familial colorectal cancer. Identifiers: MedGen CN280943, MONDO:0023113. Disease mechanism: loss of function.

Submission:

Systems Biology Platform Zhejiang California International NanoSystems Institute
Classification: other for Familial colorectal cancer. Review status: no assertion criteria provided. Collection method: not provided. Allele origin: unknown.
ClinVar note: Converted during submission from cancer to other.